The following is an entry in ClinVar:

ClinVar aggregate classification (germline): Likely benign (0 of 4 stars; one submission).

Conditions:
NTN1-related disorder. Also called: NTN1-related condition.

Allele frequency attached by ClinVar (database versions not stated): 1000 Genomes Project 0.00020; 1000 Genomes Project 30x 0.00031; ExAC 0.00034; ESP Exome Variant Server 0.00062; gnomAD 0.00083.
gnomAD v4.1: 273 of 1,607,052 alleles (0.017%); highest among the groups gnomAD compares: African/African-American, 0.34%; 1 homozygote.

Submission:

PreventionGenetics, part of Exact Sciences
Classification: Likely benign for NTN1-related condition. Last evaluated: 2020-07-28. Review status: no assertion criteria provided. Collection method: clinical testing. Allele origin: germline.
Comment: This variant is classified as likely benign based on ACMG/AMP sequence variant interpretation guidelines (Richards et al. 2015 PMID: 25741868, with internal and published modifications).

NM_004822.3(NTN1):c.631C>A (p.Arg211Ser)

Gene: NTN1 (netrin 1; plus strand). Cytogenetic location: 17p13.1.
Variant type: single nucleotide variant.
Coding change: c.631C>A on transcript NM_004822.3 (MANE Select); coding-DNA position 631, C replaced by A.
Protein change: p.Arg211Ser; replaces arginine 211 with serine.
Molecular consequence: missense variant.
Genome position (GRCh38, 1-based): chr17:9,023,004, C>A. VCF-style: chr17-9023004-C-A. GRCh37 (hg19) VCF-style: chr17-8926321-C-A.
Other names: short protein forms R211S.
Identifiers: ClinVar variation 3047486 (VCV003047486.2), dbSNP rs34079256, ClinGen allele CA8381027.